The following is an entry in ClinVar:

NM_000155.4(GALT):c.668G>A (p.Arg223His)

Gene: GALT (galactose-1-phosphate uridylyltransferase; plus strand). Cytogenetic location: 9p13.3.
Variant type: single nucleotide variant.
Coding change: c.668G>A on transcript NM_000155.4 (MANE Select); coding-DNA position 668, G replaced by A.
Protein change: p.Arg223His; replaces arginine 223 with histidine.
Molecular consequence: missense variant.
Genome position (GRCh38, 1-based): chr9:34,648,437, G>A. VCF-style: chr9-34648437-G-A. GRCh37 (hg19) VCF-style: chr9-34648434-G-A.
Other names: c.341G>A, p.Arg114His (NM_001258332.2); short protein forms R114H, R223H.
Identifiers: ClinVar variation 2910717 (VCV002910717.3), dbSNP rs553769637, ClinGen allele CA5036182.

ClinVar aggregate classification (germline): Likely pathogenic (1 of 4 stars; one submission).

Conditions:
Deficiency of UDPglucose-hexose-1-phosphate uridylyltransferase. Also called: GALACTOSE-1-PHOSPHATE URIDYLYLTRANSFERASE DEFICIENCY; Transferase Deficiency Galactosemia; GALACTOSEMIA I; GALT deficiency; Galactosemia, classic. Identifiers: Orphanet 352, Orphanet 79239, MedGen C0268151, MONDO:0009258, OMIM 230400.

Allele frequency attached by ClinVar (database versions not stated): ExAC 0.00001; TOPMed 0.00002; 1000 Genomes Project 30x 0.00016; 1000 Genomes Project 0.00020.
gnomAD v4.1: 32 of 1,614,128 alleles (0.002%); highest among the groups gnomAD compares: South Asian, 0.0033%; no homozygotes.

Submission:

Labcorp Genetics (formerly Invitae), Labcorp
Classification: Likely pathogenic for Deficiency of UDPglucose-hexose-1-phosphate uridylyltransferase. Last evaluated: 2025-12-13. Review status: criteria provided, single submitter. Criteria: Invitae Variant Classification Sherloc (09022015). Collection method: clinical testing. Allele origin: germline.
Comment: This sequence change replaces arginine, which is basic and polar, with histidine, which is basic and polar, at codon 223 of the GALT protein (p.Arg223His). This variant is present in population databases (rs553769637, gnomAD 0.006%). This variant has not been reported in the literature in individuals affected with GALT-related conditions. ClinVar contains an entry for this variant (Variation ID: 2910717). Invitae Evidence Modeling of protein sequence and biophysical properties (such as structural, functional, and spatial information, amino acid conservation, physicochemical variation, residue mobility, and thermodynamic stability) indicates that this missense variant is expected to disrupt GALT protein function with a positive predictive value of 95%. This variant disrupts the p.Arg223 amino acid residue in GALT. Other variant(s) that disrupt this residue have been determined to be pathogenic (internal data). This suggests that this residue is clinically significant, and that variants that disrupt this residue are likely to be disease-causing. In summary, the currently available evidence indicates that the variant is pathogenic, but additional data are needed to prove that conclusively. Therefore, this variant has been classified as Likely Pathogenic.